The following is an entry in ClinVar:

ClinVar aggregate classification (germline): Conflicting classifications of pathogenicity. Review status: criteria provided, conflicting classifications (1 of 4 stars). 3 submissions from 3 submitters: Uncertain significance (1); Likely benign (2). Last evaluated 2025-08-25.

Conditions:
Hereditary cancer-predisposing syndrome. Also called: Neoplastic Syndromes, Hereditary; Hereditary Cancer Syndrome; Hereditary neoplastic syndrome; Tumor predisposition. Identifiers: Orphanet 140162, MedGen C0027672, MeSH D009386, MONDO:0015356.
Inborn genetic diseases. Identifiers: MedGen C0950123, MeSH D030342.
Acute myeloid leukemia (AML). Also called: Acute myeloid leukemia, adult; AML adult; Acute non-lymphocytic leukemia; Acute granulocytic leukemia; Leukemia, acute myeloid, somatic; Leukemia, acute myelogenous, somatic. Identifiers: Orphanet 519, MedGen C0023467, MeSH D015470, MONDO:0018874, OMIM 601626, HP:0004808. Disease mechanism: Constitutively activated FLT3.

Allele frequency attached by ClinVar (database versions not stated): gnomAD exomes below 0.00001 and 0.00002.

Submissions (3):

Ambry Genetics
Classification: Likely benign for Inborn genetic diseases. Last evaluated: 2025-08-25. Review status: criteria provided, single submitter. Criteria: Ambry Variant Classification Scheme 2023. Collection method: clinical testing. Allele origin: germline.

Sema4
Classification: Uncertain significance for Hereditary cancer-predisposing syndrome. Last evaluated: 2021-11-30. Review status: criteria provided, single submitter. Criteria: Sema4 Curation Guidelines. Collection method: curation. Allele origin: germline.
Comment: The CEBPA c.765G>T (p.G255=) variant has not been reported in the literature to our knowledge. It was observed in 2/49358 chromosomes in the Non-Finnish European subpopulation according to the Genome Aggregation Database (PMID: 32461654). This variant has been reported in ClinVar (Variation ID: 698990). In silico tools that predict the effect of sequence changes on splicing suggest that this variant may impact splicing, though these predictions have not been confirmed by functional studies. The overall evidence is insufficient to meet ACMG/AMP criteria for classifying the variant as benign or pathogenic. Thus, the clinical significance of this variant is currently uncertain.

Labcorp Genetics (formerly Invitae), Labcorp
Classification: Likely benign for Acute myeloid leukemia. Last evaluated: 2021-11-24. Review status: criteria provided, single submitter. Criteria: Invitae Variant Classification Sherloc (09022015). Collection method: clinical testing. Allele origin: germline.

NM_004364.5(CEBPA):c.765G>T (p.Gly255=)

Gene: CEBPA (CCAAT enhancer binding protein alpha; minus strand). Cytogenetic location: 19q13.11.
Variant type: single nucleotide variant.
Coding change: c.765G>T on transcript NM_004364.5 (MANE Select); coding-DNA position 765, G replaced by T.
Protein change: p.Gly255=; no amino-acid change (glycine 255 retained).
Molecular consequence: synonymous variant.
Genome position (GRCh38, 1-based): chr19:33,301,650, C>A on the plus strand (G>T on the coding strand, the complement: CEBPA is on the minus strand). VCF-style: chr19-33301650-C-A. GRCh37 (hg19) VCF-style: chr19-33792556-C-A.
Other names: c.408G>T, p.Gly136= (NM_001285829.2); c.870G>T, p.Gly290= (NM_001287424.2); c.723G>T, p.Gly241= (NM_001287435.2).
Identifiers: ClinVar variation 698990 (VCV000698990.13), dbSNP rs1163957359, ClinGen allele CA507007121.